The following is an entry in ClinVar:

ClinVar aggregate classification (germline): Uncertain significance. Review status: criteria provided, multiple submitters, no conflicts (2 of 4 stars). 6 submissions from 6 submitters: Uncertain significance (3). 3 of the submissions do not count toward it. Last evaluated 2026-03-25.

Conditions:
Myofibrillar myopathy 5. Also called: Filaminopathy (type); FILAMINOPATHY, AUTOSOMAL DOMINANT. Identifiers: Orphanet 171445, MedGen C1836050, MONDO:0012289, OMIM 609524.
Distal myopathy with posterior leg and anterior hand involvement. Also called: WILLIAMS DISTAL MYOPATHY. Identifiers: Orphanet 63273, MedGen C3279722, MONDO:0013550, OMIM 614065.
Hypertrophic cardiomyopathy 26. Also called: Cardiomyopathy, familial hypertrophic, 26. Identifiers: Orphanet 75249, MedGen C4310749, MONDO:0014883, OMIM 617047.
Cardiac hypertrophy. Identifiers: MedGen C1383860.

gnomAD v4.1: 1 of 1,613,066 alleles (0.000062%); no homozygotes.

Submissions (6):

Clinical Genetics Laboratory, Skane University Hospital Lund
Classification: Uncertain significance for Cardiac hypertrophy. Last evaluated: 2026-03-25. Review status: criteria provided, single submitter. Criteria: ACMG Guidelines, 2015. Collection method: clinical testing. Allele origin: germline. Affected: yes.
Comment: ACMG criteria used: PM2 and PP3

Labcorp Genetics (formerly Invitae), Labcorp
Classification: Uncertain significance for Distal myopathy with posterior leg and anterior hand involvement; Myofibrillar myopathy 5; Hypertrophic cardiomyopathy 26. Last evaluated: 2025-12-15. Review status: criteria provided, single submitter. Criteria: Invitae Variant Classification Sherloc (09022015). Collection method: clinical testing. Allele origin: germline.
Comment: This sequence change replaces alanine, which is neutral and non-polar, with threonine, which is neutral and polar, at codon 2069 of the FLNC protein (p.Ala2069Thr). This variant is not present in population databases (gnomAD no frequency). This missense change has been observed in individual(s) with clinical features of hypertrophic cardiomyopathy (PMID: 32112656). ClinVar contains an entry for this variant (Variation ID: 1284835). Invitae Evidence Modeling of protein sequence and biophysical properties (such as structural, functional, and spatial information, amino acid conservation, physicochemical variation, residue mobility, and thermodynamic stability) has been performed for this missense variant. However, the output from this modeling did not meet the statistical confidence thresholds required to predict the impact of this variant on FLNC protein function. In summary, the available evidence is currently insufficient to determine the role of this variant in disease. Therefore, it has been classified as a Variant of Uncertain Significance.

Blueprint Genetics
Classification: Uncertain significance. Last evaluated: 2018-05-17. Review status: criteria provided, single submitter. Criteria: ACMG Guidelines, 2015. Collection method: clinical testing. Allele origin: germline.

Clinical Genetics DNA and cytogenetics Diagnostics Lab, Erasmus MC, Erasmus Medical Center
Classification: Uncertain significance. Review status: no assertion criteria provided. Collection method: clinical testing. Allele origin: germline. Affected: yes. Study: VKGL Data-share Consensus. Not counted in ClinVar's aggregate classification.

Clinical Genetics, Academic Medical Center
Classification: Uncertain significance. Review status: no assertion criteria provided. Collection method: clinical testing. Allele origin: germline. Affected: yes. Study: VKGL Data-share Consensus. Not counted in ClinVar's aggregate classification.

Joint Genome Diagnostic Labs from Nijmegen and Maastricht, Radboudumc and MUMC+
Classification: Uncertain significance. Review status: no assertion criteria provided. Collection method: clinical testing. Allele origin: germline. Affected: yes. Study: VKGL Data-share Consensus. Not counted in ClinVar's aggregate classification.

Literature cited by the submitters: PubMed 32112656 (cited by Labcorp Genetics (formerly Invitae), Labcorp).

NM_001458.5(FLNC):c.6205G>A (p.Ala2069Thr)

Genes: FLNC (filamin C; plus strand), FLNC-AS1 (FLNC antisense RNA 1; minus strand). Cytogenetic location: 7q32.1.
Variant type: single nucleotide variant.
Coding change: c.6205G>A on transcript NM_001458.5 (MANE Select); coding-DNA position 6205, G replaced by A.
Protein change: p.Ala2069Thr; replaces alanine 2069 with threonine.
Molecular consequence: missense variant.
Genome position (GRCh38, 1-based): chr7:128,853,028, G>A. VCF-style: chr7-128853028-G-A. GRCh37 (hg19) VCF-style: chr7-128493082-G-A.
Other names: c.6106G>A, p.Ala2036Thr (NM_001127487.2); short protein forms A2036T, A2069T.
Identifiers: ClinVar variation 1284835 (VCV001284835.10), dbSNP rs368562957, ClinGen allele CA166190341.